The following is an entry in ClinVar:

NM_006231.4(POLE):c.3967G>A (p.Ala1323Thr)

Gene: POLE (DNA polymerase epsilon, catalytic subunit; minus strand). Cytogenetic location: 12q24.33.
Variant type: single nucleotide variant.
Coding change: c.3967G>A on transcript NM_006231.4 (MANE Select); coding-DNA position 3967, G replaced by A.
Protein change: p.Ala1323Thr; replaces alanine 1323 with threonine.
Molecular consequence: missense variant.
Genome position (GRCh38, 1-based): chr12:132,649,344, C>T on the plus strand (G>A on the coding strand, the complement: POLE is on the minus strand). VCF-style: chr12-132649344-C-T. GRCh37 (hg19) VCF-style: chr12-133225930-C-T.
Other names: short protein forms A1323T.
Identifiers: ClinVar variation 1519776 (VCV001519776.6), dbSNP rs2138605792, ClinGen allele CA387384836.

ClinVar aggregate classification (germline): Uncertain significance (1 of 4 stars; one submission).

Submission:

Labcorp Genetics (formerly Invitae), Labcorp
Classification: Uncertain significance. Last evaluated: 2024-02-02. Review status: criteria provided, single submitter. Criteria: Invitae Variant Classification Sherloc (09022015). Collection method: clinical testing. Allele origin: germline.
Comment: This sequence change replaces alanine, which is neutral and non-polar, with threonine, which is neutral and polar, at codon 1323 of the POLE protein (p.Ala1323Thr). This variant is not present in population databases (gnomAD no frequency). This variant has not been reported in the literature in individuals affected with POLE-related conditions. ClinVar contains an entry for this variant (Variation ID: 1519776). Advanced modeling of protein sequence and biophysical properties (such as structural, functional, and spatial information, amino acid conservation, physicochemical variation, residue mobility, and thermodynamic stability) performed at Invitae indicates that this missense variant is not expected to disrupt POLE protein function with a negative predictive value of 80%. In summary, the available evidence is currently insufficient to determine the role of this variant in disease. Therefore, it has been classified as a Variant of Uncertain Significance.